The following is an entry in ClinVar:

ClinVar aggregate classification (germline): Conflicting classifications of pathogenicity. Review status: criteria provided, conflicting classifications (1 of 4 stars). 2 submissions from 2 submitters: Uncertain significance (1); Likely benign (1). Last evaluated 2024-06-23.

Conditions:
Erythrocytosis, familial, 3 (ECYT3). Identifiers: Orphanet 247511, MedGen C1853286, MONDO:0012353, OMIM 609820.

Allele frequency attached by ClinVar (database versions not stated): gnomAD 0.00001; TOPMed 0.00001; ExAC 0.00003; gnomAD exomes 0.00003 and 0.00005.
gnomAD v4.1: 70 of 1,614,200 alleles (0.0043%); highest among the groups gnomAD compares: Middle Eastern, 0.016%; no homozygotes.

Submissions (2):

Labcorp Genetics (formerly Invitae), Labcorp
Classification: Uncertain significance for Erythrocytosis, familial, 3. Last evaluated: 2024-06-23. Review status: criteria provided, single submitter. Criteria: Invitae Variant Classification Sherloc (09022015). Collection method: clinical testing. Allele origin: germline.
Comment: This sequence change replaces lysine, which is basic and polar, with glutamic acid, which is acidic and polar, at codon 255 of the EGLN1 protein (p.Lys255Glu). This variant is present in population databases (rs767916069, gnomAD 0.006%). This missense change has been observed in individual(s) with erythrocytosis (PMID: 37317877). ClinVar contains an entry for this variant (Variation ID: 1398683). An algorithm developed to predict the effect of missense changes on protein structure and function (PolyPhen-2) suggests that this variant is likely to be tolerated. In summary, the available evidence is currently insufficient to determine the role of this variant in disease. Therefore, it has been classified as a Variant of Uncertain Significance.

Ambry Genetics
Classification: Likely benign. Last evaluated: 2020-09-01. Review status: criteria provided, single submitter. Criteria: Ambry Variant Classification Scheme 2023. Collection method: clinical testing. Allele origin: germline.

Literature cited by the submitters: PubMed 37317877 (cited by Labcorp Genetics (formerly Invitae), Labcorp).

NM_022051.3(EGLN1):c.763A>G (p.Lys255Glu)

Gene: EGLN1 (egl-9 family hypoxia inducible factor 1; minus strand). Cytogenetic location: 1q42.2.
Variant type: single nucleotide variant.
Coding change: c.763A>G on transcript NM_022051.3 (MANE Select); coding-DNA position 763, A replaced by G.
Protein change: p.Lys255Glu; replaces lysine 255 with glutamic acid.
Molecular consequence: missense variant.
Genome position (GRCh38, 1-based): chr1:231,421,126, T>C on the plus strand (A>G on the coding strand, the complement: EGLN1 is on the minus strand). VCF-style: chr1-231421126-T-C. GRCh37 (hg19) VCF-style: chr1-231556872-T-C.
Other names: c.763A>G, p.Lys255Glu (NM_001377260.1, NM_001377261.1); short protein forms K255E.
Identifiers: ClinVar variation 1398683 (VCV001398683.8), dbSNP rs767916069, ClinGen allele CA1453113.